The following is an entry in ClinVar:

ClinVar aggregate classification (germline): Likely benign. Review status: criteria provided, multiple submitters, no conflicts (2 of 4 stars). 3 submissions from 3 submitters: Likely benign (3). Last evaluated 2026-01-14.

Conditions:
Autosomal recessive limb-girdle muscular dystrophy type 2J (LGMDR10). Also called: Limb-girdle muscular dystrophy, type 2J; MUSCULAR DYSTROPHY, LIMB-GIRDLE, AUTOSOMAL RECESSIVE 10. Identifiers: Orphanet 140922, MedGen C1837342, MONDO:0012127, OMIM 608807.
Dilated cardiomyopathy 1G (CMD1G). Identifiers: Orphanet 154, MedGen C1858763, MONDO:0011400, OMIM 604145.
Cardiovascular phenotype. Identifiers: MedGen CN230736.

Allele frequency attached by ClinVar (database versions not stated): gnomAD exomes below 0.00001; gnomAD 0.00001.
gnomAD v4.1: 6 of 1,613,538 alleles (0.00037%); highest among the groups gnomAD compares: South Asian, 0.0011%; no homozygotes.

Submissions (3):

Labcorp Genetics (formerly Invitae), Labcorp
Classification: Likely benign for Dilated cardiomyopathy 1G; Autosomal recessive limb-girdle muscular dystrophy type 2J. Last evaluated: 2026-01-14. Review status: criteria provided, single submitter. Criteria: Invitae Variant Classification Sherloc (09022015). Collection method: clinical testing. Allele origin: germline.

Ambry Genetics
Classification: Likely benign for Cardiovascular phenotype. Last evaluated: 2024-04-07. Review status: criteria provided, single submitter. Criteria: Ambry Variant Classification Scheme 2023. Collection method: clinical testing. Allele origin: germline.

Women's Health and Genetics/Laboratory Corporation of America, LabCorp
Classification: Likely benign. Last evaluated: 2024-01-31. Review status: criteria provided, single submitter. Criteria: LabCorp Variant Classification Summary - May 2015. Collection method: clinical testing. Allele origin: germline.
Comment: Variant summary: TTN c.72081C>T alters a conserved nucleotide resulting in a synonymous change. The variant was absent in 248720 control chromosomes. The available data on variant occurrences in the general population are insufficient to allow any conclusion about variant significance. To our knowledge, no occurrence of c.72081C>T in individuals affected with Limb-Girdle Muscular Dystrophy, Type 2J and no experimental evidence demonstrating its impact on protein function have been reported. ClinVar contains an entry for this variant (Variation ID: 535580). Based on the evidence outlined above, the variant was classified as likely benign.

NM_001267550.2(TTN):c.79785C>T (p.Asp26595=)

Genes: TTN-AS1 (TTN antisense RNA 1; plus strand), TTN (titin; minus strand). Cytogenetic location: 2q31.2.
Variant type: single nucleotide variant.
Coding change: c.79785C>T on transcript NM_001267550.2 (MANE Select); coding-DNA position 79785, C replaced by T.
Protein change: p.Asp26595=; no amino-acid change (aspartic acid 26595 retained).
Molecular consequence: synonymous variant.
Genome position (GRCh38, 1-based): chr2:178,566,347, G>A on the plus strand (C>T on the coding strand, the complement: TTN is on the minus strand). VCF-style: chr2-178566347-G-A. GRCh37 (hg19) VCF-style: chr2-179431074-G-A.
Other names: c.74862C>T, p.Asp24954= (NM_001256850.1); c.52590C>T, p.Asp17530= (NM_003319.4); c.72081C>T, p.Asp24027= (NM_133378.4); c.52965C>T, p.Asp17655= (NM_133432.3); c.53166C>T, p.Asp17722= (NM_133437.4).
Identifiers: ClinVar variation 535580 (VCV000535580.13), dbSNP rs1553587704, ClinGen allele CA430251976.